The following is an entry in ClinVar:

NM_031407.7(HUWE1):c.10260A>T (p.Glu3420Asp)

Gene: HUWE1 (HECT, UBA and WWE domain containing E3 ubiquitin protein ligase 1; minus strand). Cytogenetic location: Xp11.22.
Variant type: single nucleotide variant.
Coding change: c.10260A>T on transcript NM_031407.7 (MANE Select); coding-DNA position 10260, A replaced by T.
Protein change: p.Glu3420Asp; replaces glutamic acid 3420 with aspartic acid.
Molecular consequence: missense variant.
Genome position (GRCh38, 1-based): chrX:53,548,049, T>A on the plus strand (A>T on the coding strand, the complement: HUWE1 is on the minus strand). VCF-style: chrX-53548049-T-A. GRCh37 (hg19) VCF-style: chrX-53575010-T-A.
Other names: short protein forms E3420D.
Identifiers: ClinVar variation 1707849 (VCV001707849.2), dbSNP rs1556924804, ClinGen allele CA413136187.
Genomic context (GRCh38, chrX:53,548,049, plus strand): 5'-GTGTGACAACATGTTCATGAGCTGCCCCAGTGGAGAGGCCTCGAGGCTGTATGGAGAGGT[T>A]TCCCCCTCACCGCCAGCGCTCACTGGCACTGACTTCACGGAGTTCTTGCCTTTCCGGCTG-3'
Protein context (NP_113584.3, residues 3410-3430): SVPVSAGGEG[Glu3420Asp]TSPYSLEASP

ClinVar aggregate classification (germline): Uncertain significance (1 of 4 stars; one submission).

gnomAD v4.1: 1 of 1,208,521 alleles (0.000083%); highest among the groups gnomAD compares: East Asian, 0.003%; no homozygotes.

Submission:

GeneDx
Classification: Uncertain significance. Last evaluated: 2022-04-01. Review status: criteria provided, single submitter. Criteria: GeneDx Variant Classification Process June 2021. Collection method: clinical testing. Allele origin: germline. Affected: yes.
Comment: In silico analysis supports that this missense variant does not alter protein structure/function; Has not been previously published as pathogenic or benign to our knowledge